The following is an entry in ClinVar:

NM_002907.4(RECQL):c.226T>C (p.Ser76Pro)

Gene: RECQL (RecQ like helicase; minus strand). Cytogenetic location: 12p12.1.
Variant type: single nucleotide variant.
Coding change: c.226T>C on transcript NM_002907.4 (MANE Select); coding-DNA position 226, T replaced by C.
Protein change: p.Ser76Pro; replaces serine 76 with proline.
Molecular consequence: missense variant.
Genome position (GRCh38, 1-based): chr12:21,490,367, A>G on the plus strand (T>C on the coding strand, the complement: RECQL is on the minus strand). VCF-style: chr12-21490367-A-G. GRCh37 (hg19) VCF-style: chr12-21643301-A-G.
Other names: c.226T>C, p.Ser76Pro (NM_032941.3); short protein forms S76P.
Identifiers: ClinVar variation 2586023 (VCV002586023.2), dbSNP rs2540400623, ClinGen allele CA384133616.

ClinVar aggregate classification (germline): Uncertain significance (1 of 4 stars; one submission).

Submission:

Ambry Genetics
Classification: Uncertain significance. Last evaluated: 2023-09-15. Review status: criteria provided, single submitter. Criteria: Ambry Variant Classification Scheme 2023. Collection method: clinical testing. Allele origin: germline.
Comment: The p.S76P variant (also known as c.226T>C), located in coding exon 3 of the RECQL gene, results from a T to C substitution at nucleotide position 226. The serine at codon 76 is replaced by proline, an amino acid with similar properties. This amino acid position is well conserved in available vertebrate species. In addition, the in silico prediction for this alteration is inconclusive. The evidence for this gene-disease relationship is limited; therefore, the clinical significance of this alteration is unclear.